The following is an entry in ClinVar:

ClinVar aggregate classification (germline): Uncertain significance. Review status: criteria provided, multiple submitters, no conflicts (2 of 4 stars). 2 submissions from 2 submitters: Uncertain significance (2). Last evaluated 2025-10-31.

Conditions:
Inborn genetic diseases. Identifiers: MedGen C0950123, MeSH D030342.
Wilms tumor 1 (WT1). Also called: Wilms tumor, somatic. Identifiers: Orphanet 654, MedGen CN033288, MONDO:0008679, OMIM 194070.
Frasier syndrome. Identifiers: Orphanet 347, MedGen C0950122, MeSH D052159, MONDO:0007635, OMIM 136680.
Drash syndrome (DDS). Also called: NEPHROPATHY, WILMS TUMOR, AND GENITAL ANOMALIES; WILMS TUMOR AND PSEUDO- OR TRUE HERMAPHRODITISM. Identifiers: Orphanet 220, MedGen C0950121, MONDO:0008682, OMIM 194080.
11p partial monosomy syndrome (WAGR). Also called: CHROMOSOME 11p13 DELETION SYNDROME; WAGR syndrome; WAGR Complex; WAGR Spectrum Disorder. Identifiers: Orphanet 893, MedGen C0206115, MONDO:0008681, OMIM 194072.

gnomAD v4.1: 1 of 1,612,788 alleles (0.000062%); highest among the groups gnomAD compares: Non-Finnish European, 0.000085%; no homozygotes.

Submissions (2):

Ambry Genetics
Classification: Uncertain significance for Inborn genetic diseases. Last evaluated: 2025-10-31. Review status: criteria provided, single submitter. Criteria: Ambry Variant Classification Scheme 2023. Collection method: clinical testing. Allele origin: germline.
Comment: The p.N198K variant (also known as c.594C>G), located in coding exon 1 of the WT1 gene, results from a C to G substitution at nucleotide position 594. The asparagine at codon 198 is replaced by lysine, an amino acid with similar properties. This amino acid position is highly conserved through mammals but not in all available vertebrate species. In addition, this alteration is predicted to be tolerated by in silico analysis. Based on the available evidence, the clinical significance of this variant remains unclear.

Labcorp Genetics (formerly Invitae), Labcorp
Classification: Uncertain significance for Wilms tumor 1; Drash syndrome; 11p partial monosomy syndrome; Frasier syndrome. Last evaluated: 2019-10-19. Review status: criteria provided, single submitter. Criteria: Invitae Variant Classification Sherloc (09022015). Collection method: clinical testing. Allele origin: germline.
Comment: In summary, this variant is a novel missense change with uncertain impact on protein function. It has been classified as a Variant of Uncertain Significance. Algorithms developed to predict the effect of missense changes on protein structure and function do not agree on the potential impact of this missense change (SIFT: "Deleterious"; PolyPhen-2: "Benign"; Align-GVGD: "Class C25"). This variant is not present in population databases (ExAC no frequency) and has not been reported in the literature in individuals with a WT1-related disease. This sequence change replaces asparagine with lysine at codon 198 of the WT1 protein (p.Asn198Lys). The asparagine residue is highly conserved and there is a moderate physicochemical difference between asparagine and lysine.

NM_024426.6(WT1):c.609C>G (p.Asn203Lys)

Genes: WT1 (WT1 transcription factor; minus strand), LOC107982234 (WT1/WT1-AS bi-directional promoter region; plus strand). Cytogenetic location: 11p13.
Variant type: single nucleotide variant.
Coding change: c.609C>G on transcript NM_024426.6 (MANE Select); coding-DNA position 609, C replaced by G.
Protein change: p.Asn203Lys; replaces asparagine 203 with lysine.
Molecular consequence: missense variant. On other transcripts: non-coding transcript variant (1).
Genome position (GRCh38, 1-based): chr11:32,434,752, G>C on the plus strand (C>G on the coding strand, the complement: WT1 is on the minus strand). VCF-style: chr11-32434752-G-C. GRCh37 (hg19) VCF-style: chr11-32456298-G-C.
Other names: c.609C>G, p.Asn203Lys (NM_000378.6, NM_024424.5); short protein forms N203K.
Identifiers: ClinVar variation 406694 (VCV000406694.12), dbSNP rs2234583, ClinGen allele CA16613601.